The following is an entry in ClinVar:

NM_014159.7(SETD2):c.7350+6T>C

Gene: SETD2 (SET domain containing 2, histone lysine methyltransferase; minus strand). Cytogenetic location: 3p21.31.
Variant type: single nucleotide variant.
Coding change: c.7350+6T>C on transcript NM_014159.7 (MANE Select); 6 bases into the intron after coding-DNA position 7350, T replaced by C.
Molecular consequence: intron variant.
Genome position (GRCh38, 1-based): chr3:47,037,660, A>G on the plus strand (T>C on the coding strand, the complement: SETD2 is on the minus strand). VCF-style: chr3-47037660-A-G. GRCh37 (hg19) VCF-style: chr3-47079150-A-G.
Other names: c.7218+6T>C (NM_001349370.3).
Identifiers: ClinVar variation 578649 (VCV000578649.32), dbSNP rs369951554, ClinGen allele CA2362519.

ClinVar aggregate classification (germline): Conflicting classifications of pathogenicity. Review status: criteria provided, conflicting classifications (1 of 4 stars). 3 submissions from 3 submitters: Uncertain significance (1); Likely benign (1). 1 of the submissions does not count toward it. Last evaluated 2025-07-07.

Conditions:
SETD2-related disorder.
Luscan-Lumish syndrome. Identifiers: Orphanet 597738, MedGen C4085873, MONDO:0014791, OMIM 616831.

Allele frequency attached by ClinVar (database versions not stated): ExAC 0.00007; gnomAD exomes 0.00009; TOPMed 0.00014; ESP Exome Variant Server 0.00015; gnomAD 0.00015.
gnomAD v4.1: 395 of 1,602,532 alleles (0.025%); highest among the groups gnomAD compares: Non-Finnish European, 0.031%; no homozygotes.

Submissions (3):

Labcorp Genetics (formerly Invitae), Labcorp
Classification: Uncertain significance for Luscan-Lumish syndrome. Last evaluated: 2025-07-07. Review status: criteria provided, single submitter. Criteria: Invitae Variant Classification Sherloc (09022015). Collection method: clinical testing. Allele origin: germline.
Comment: This sequence change falls in intron 18 of the SETD2 gene. It does not directly change the encoded amino acid sequence of the SETD2 protein. It affects a nucleotide within the consensus splice site. This variant is present in population databases (rs369951554, gnomAD 0.02%). This variant has not been reported in the literature in individuals affected with SETD2-related conditions. ClinVar contains an entry for this variant (Variation ID: 578649). Variants that disrupt the consensus splice site are a relatively common cause of aberrant splicing (PMID: 17576681, 9536098). Algorithms developed to predict the effect of sequence changes on RNA splicing suggest that this variant is not likely to affect RNA splicing. In summary, the available evidence is currently insufficient to determine the role of this variant in disease. Therefore, it has been classified as a Variant of Uncertain Significance.

CeGaT Center for Human Genetics Tuebingen
Classification: Likely benign. Last evaluated: 2023-10-01. Review status: criteria provided, single submitter. Criteria: CeGaT Center For Human Genetics Tuebingen Variant Classification Criteria Version 2. Collection method: clinical testing. Allele origin: germline. Affected: yes. Observed: 1 variant allele.
Comment: SETD2: BP4, BS2

PreventionGenetics, part of Exact Sciences
Classification: Likely benign for SETD2-related condition. Last evaluated: 2019-09-10. Review status: no assertion criteria provided. Collection method: clinical testing. Allele origin: germline. Not counted in ClinVar's aggregate classification.
Comment: This variant is classified as likely benign based on ACMG/AMP sequence variant interpretation guidelines (Richards et al. 2015 PMID: 25741868, with internal and published modifications).

Literature cited by the submitters: PubMed 17576681 (cited by Labcorp Genetics (formerly Invitae), Labcorp); PubMed 9536098 (cited by Labcorp Genetics (formerly Invitae), Labcorp).